The following is an entry in ClinVar:

ClinVar aggregate classification (germline): Uncertain significance (1 of 4 stars; one submission).

Conditions:
Myofibrillar myopathy 3 (MFM3). Also called: Muscular dystrophy, proximal, type 1A; Autosomal dominant spheroid body myopathy. Identifiers: Orphanet 266, Orphanet 268129, MedGen C3714934, MONDO:0012215, OMIM 609200.

gnomAD v4.1: 3 of 1,614,254 alleles (0.00019%); highest among the groups gnomAD compares: Non-Finnish European, 0.00025%; no homozygotes.

Submission:

Labcorp Genetics (formerly Invitae), Labcorp
Classification: Uncertain significance for Myofibrillar myopathy 3. Last evaluated: 2025-03-18. Review status: criteria provided, single submitter. Criteria: Invitae Variant Classification Sherloc (09022015). Collection method: clinical testing. Allele origin: germline.
Comment: This sequence change replaces proline, which is neutral and non-polar, with threonine, which is neutral and polar, at codon 23 of the MYOT protein (p.Pro23Thr). This variant is present in population databases (rs751876756, gnomAD 0.0009%). This variant has not been reported in the literature in individuals affected with MYOT-related conditions. ClinVar contains an entry for this variant (Variation ID: 1025934). An algorithm developed to predict the effect of missense changes on protein structure and function (PolyPhen-2) suggests that this variant is likely to be tolerated. In summary, the available evidence is currently insufficient to determine the role of this variant in disease. Therefore, it has been classified as a Variant of Uncertain Significance.

NM_006790.3(MYOT):c.67C>A (p.Pro23Thr)

Genes: MYOT (myotilin; plus strand), PKD2L2-DT (PKD2L2 divergent transcript; minus strand). Cytogenetic location: 5q31.2.
Variant type: single nucleotide variant.
Coding change: c.67C>A on transcript NM_006790.3 (MANE Select); coding-DNA position 67, C replaced by A.
Protein change: p.Pro23Thr; replaces proline 23 with threonine.
Molecular consequence: missense variant. On other transcripts: intron variant (2).
Genome position (GRCh38, 1-based): chr5:137,870,718, C>A. VCF-style: chr5-137870718-C-A. GRCh37 (hg19) VCF-style: chr5-137206407-C-A.
Other names: c.-120-159C>A (NM_001300911.2); c.-197+193C>A (NM_001135940.2); short protein forms P23T.
Identifiers: ClinVar variation 1025934 (VCV001025934.9), dbSNP rs751876756, ClinGen allele CA3422841.
Genomic context (GRCh38, chr5:137,870,718, plus strand): 5'-AACTACGAACGTCCAAAACACTTCATCCAGTCCCAAAACCCATGTGGCTCCAGATTGCAG[C>A]CTCCTGGACCAGAAACCTCCAGCTTCTCTAGCCAGACCAAACAGTCTTCCATTATCATCC-3'
Protein context (NP_006781.1, residues 13-33): SQNPCGSRLQ[Pro23Thr]PGPETSSFSS